The following is an entry in ClinVar:

ClinVar aggregate classification (germline): Likely benign. Review status: criteria provided, multiple submitters, no conflicts (2 of 4 stars). 3 submissions from 3 submitters: Likely benign (3). Last evaluated 2025-10-11.

Allele frequency attached by ClinVar (database versions not stated): TOPMed 0.00002; gnomAD exomes 0.00009; gnomAD 0.00010; ExAC 0.00028.
gnomAD v4.1: 147 of 1,565,182 alleles (0.0094%); highest among the groups gnomAD compares: South Asian, 0.12%; 3 homozygotes.

Submissions (3):

Labcorp Genetics (formerly Invitae), Labcorp
Classification: Likely benign. Last evaluated: 2025-10-11. Review status: criteria provided, single submitter. Criteria: Invitae Variant Classification Sherloc (09022015). Collection method: clinical testing. Allele origin: germline.

Blueprint Genetics
Classification: Likely benign. Last evaluated: 2024-07-24. Review status: criteria provided, single submitter. Criteria: ACMG Guidelines, 2015. Collection method: clinical testing. Allele origin: germline.

CeGaT Center for Human Genetics Tuebingen
Classification: Likely benign. Last evaluated: 2023-11-01. Review status: criteria provided, single submitter. Criteria: CeGaT Center For Human Genetics Tuebingen Variant Classification Criteria Version 2. Collection method: clinical testing. Allele origin: germline. Affected: yes. Observed: 1 variant allele.
Comment: MYO18B: BP4, BP7

NM_032608.7(MYO18B):c.2220T>G (p.Leu740=)

Gene: MYO18B (myosin XVIIIB; plus strand). Cytogenetic location: 22q12.1.
Variant type: single nucleotide variant.
Coding change: c.2220T>G on transcript NM_032608.7 (MANE Select); coding-DNA position 2220, T replaced by G.
Protein change: p.Leu740=; no amino-acid change (leucine 740 retained).
Molecular consequence: synonymous variant.
Genome position (GRCh38, 1-based): chr22:25,781,742, T>G. VCF-style: chr22-25781742-T-G. GRCh37 (hg19) VCF-style: chr22-26177709-T-G.
Other names: c.2220T>G, p.Leu740= (NM_001318245.2).
Identifiers: ClinVar variation 2160595 (VCV002160595.29), dbSNP rs202078758, ClinGen allele CA10160097.